The following is an entry in ClinVar:

NM_016180.5(SLC45A2):c.1266C>G (p.Tyr422Ter)

Gene: SLC45A2 (solute carrier family 45 member 2; minus strand). Cytogenetic location: 5p13.2.
Variant type: single nucleotide variant.
Coding change: c.1266C>G on transcript NM_016180.5 (MANE Select); coding-DNA position 1266, C replaced by G.
Protein change: p.Tyr422Ter; replaces tyrosine 422 with a stop codon.
Molecular consequence: nonsense.
Genome position (GRCh38, 1-based): chr5:33,947,265, G>C on the plus strand (C>G on the coding strand, the complement: SLC45A2 is on the minus strand). VCF-style: chr5-33947265-G-C. GRCh37 (hg19) VCF-style: chr5-33947370-G-C.
Other names: c.1266C>G, p.Tyr422Ter (NM_001012509.4); short protein forms Y422*.
Identifiers: ClinVar variation 3062089 (VCV003062089.1), dbSNP rs750747932, ClinGen allele CA359388585.
Genomic context (GRCh38, chr5:33,947,265, plus strand): 5'-GGGCACAGTGTACAGGGTGCTGGACATTACACCAAACAGGCTGCACAGGACCAGGGTGGA[G>C]TAGACATTCGGGAAGAGCCCAATAAATCCCGTCCCCAGGCCAAACAGCAAATATCCCGTG-3'

ClinVar aggregate classification (germline): Pathogenic (1 of 4 stars; one submission).

Conditions:
Oculocutaneous albinism type 4 (OCA4). Also called: Albinism, oculocutaneous, type IV. Identifiers: Orphanet 79435, MedGen C1847836, MONDO:0011683, OMIM 606574.

Submission:

Illumina Laboratory Services, Illumina
Classification: Pathogenic for Oculocutaneous albinism type 4. Last evaluated: 2018-05-03. Review status: criteria provided, single submitter. Criteria: ICSLVariantClassificationCriteria RUGD 01 April 2020. Collection method: clinical testing. Allele origin: unknown.
Comment: The SLC45A2 c.1266C>G p.(Tyr422Ter) nonsense variant is expected to result in the loss of normal protein function through either protein truncation or nonsense-mediated mRNA decay. To our knowledge, this variant has not been reported in the peer-reviewed literature. This variant is not observed at a significant frequency in version 2.1.1 or 4.0.0 of the Genome Aggregation Database. Based on the available evidence, the c.1266C>G p.(Tyr422Ter) variant is classified as pathogenic for oculocutaneous albinism.